The following is an entry in ClinVar:

ClinVar aggregate classification (germline): Uncertain significance (1 of 4 stars; one submission).

Submission:

Ambry Genetics
Classification: Uncertain significance. Last evaluated: 2024-02-29. Review status: criteria provided, single submitter. Criteria: Ambry Variant Classification Scheme 2023. Collection method: clinical testing. Allele origin: germline.
Comment: The p.E160D variant (also known as c.480G>T), located in coding exon 1 of the EGLN2 gene, results from a G to T substitution at nucleotide position 480. The glutamic acid at codon 160 is replaced by aspartic acid, an amino acid with highly similar properties. This amino acid position is conserved. In addition, this alteration is predicted to be tolerated by in silico analysis. Based on the available evidence, the clinical significance of this alteration remains unclear.

NM_080732.4(EGLN2):c.480G>T (p.Glu160Asp)

Genes: EGLN2 (egl-9 family hypoxia inducible factor 2; plus strand), RAB4B-EGLN2 (RAB4B-EGLN2 readthrough (NMD candidate); plus strand). Cytogenetic location: 19q13.2.
Variant type: single nucleotide variant.
Coding change: c.480G>T on transcript NM_080732.4 (MANE Select); coding-DNA position 480, G replaced by T.
Protein change: p.Glu160Asp; replaces glutamic acid 160 with aspartic acid.
Molecular consequence: missense variant. On other transcripts: non-coding transcript variant (1).
Genome position (GRCh38, 1-based): chr19:40,801,052, G>T. VCF-style: chr19-40801052-G-T. GRCh37 (hg19) VCF-style: chr19-41306957-G-T.
Other names: c.480G>T, p.Glu160Asp (NM_053046.4); short protein forms E160D.
Identifiers: ClinVar variation 3229004 (VCV003229004.1), dbSNP rs2515994307, ClinGen allele CA405955351.